The following is an entry in ClinVar:

NM_000063.4(C2):c.-145A>C

Gene: C2 (complement C2; plus strand). Cytogenetic location: 6p21.33.
Variant type: single nucleotide variant.
Coding change: c.-145A>C on transcript NM_000063.4; 145 bases upstream of the start codon, A replaced by C.
Molecular consequence: intron variant (on NM_001282457.2).
Genome position (GRCh38, 1-based): chr6:31,927,608, A>C. VCF-style: chr6-31927608-A-C. GRCh37 (hg19) VCF-style: chr6-31895385-A-C.
Other names: c.-63-6002A>C (NM_001282457.2); c.74-6002A>C (NM_001178063.3).
Identifiers: ClinVar variation 356240 (VCV000356240.7), dbSNP rs150299426, ClinGen allele CA10621864.

ClinVar aggregate classification (germline): Likely benign. Review status: criteria provided, single submitter (1 of 4 stars). 2 submissions from 1 submitter: Likely benign (2). Last evaluated 2017-04-27.

Conditions:
Complement component 2 deficiency (C2D). Also called: C2 deficiency. Identifiers: MedGen C0398756, MONDO:0009006, OMIM 217000.
Age related macular degeneration 14. Also called: MACULAR DEGENERATION, AGE-RELATED, 14, REDUCED RISK OF. Identifiers: MedGen C3809653, MONDO:0014207, OMIM 615489.

Allele frequency attached by ClinVar (database versions not stated): gnomAD 0.00033 and 0.00017; 1000 Genomes Project 30x 0.00187; gnomAD exomes 0.00036; TOPMed 0.00049; 1000 Genomes Project 0.00200.
gnomAD v4.1: 555 of 1,586,282 alleles (0.035%); highest among the groups gnomAD compares: East Asian, 1.2%; 2 homozygotes.

Submissions (2):

Illumina Laboratory Services, Illumina
Classification: Likely benign for Age related macular degeneration 14. Last evaluated: 2017-04-27. Review status: criteria provided, single submitter. Criteria: ICSL Variant Classification Criteria 13 December 2019. Collection method: clinical testing. Allele origin: germline.
Comment: This variant was observed as part of a predisposition screen in an ostensibly healthy population. A literature search was performed for the gene, cDNA change, and amino acid change (where applicable). No publications were found based on this search. Allele frequency data from public databases allowed determination this variant is unlikely to cause disease. Therefore, this variant is classified as likely benign.

Illumina Laboratory Services, Illumina
Classification: Likely benign for Complement component 2 deficiency. Last evaluated: 2017-04-27. Review status: criteria provided, single submitter. Criteria: ICSL Variant Classification Criteria 13 December 2019. Collection method: clinical testing. Allele origin: germline.
Comment: the same text as in the submission from Illumina Laboratory Services, Illumina above.